The following is an entry in ClinVar:

ClinVar aggregate classification (germline): Uncertain significance (1 of 4 stars; one submission).

Allele frequency attached by ClinVar (database versions not stated): gnomAD exomes below 0.00001.
gnomAD v4.1: 4 of 1,614,220 alleles (0.00025%); highest among the groups gnomAD compares: Admixed American, 0.0067%; no homozygotes.

Submission:

Labcorp Genetics (formerly Invitae), Labcorp
Classification: Uncertain significance. Last evaluated: 2022-03-24. Review status: criteria provided, single submitter. Criteria: Invitae Variant Classification Sherloc (09022015). Collection method: clinical testing. Allele origin: germline.
Comment: This sequence change replaces isoleucine, which is neutral and non-polar, with methionine, which is neutral and non-polar, at codon 129 of the JAM3 protein (p.Ile129Met). This variant is present in population databases (no rsID available, gnomAD 0.003%). This variant has not been reported in the literature in individuals affected with JAM3-related conditions. Algorithms developed to predict the effect of missense changes on protein structure and function are either unavailable or do not agree on the potential impact of this missense change (SIFT: "Deleterious"; PolyPhen-2: "Possibly Damaging"; Align-GVGD: "Class C0"). In summary, the available evidence is currently insufficient to determine the role of this variant in disease. Therefore, it has been classified as a Variant of Uncertain Significance.

NM_032801.5(JAM3):c.387T>G (p.Ile129Met)

Gene: JAM3 (junctional adhesion molecule 3; plus strand). Cytogenetic location: 11q25.
Variant type: single nucleotide variant.
Coding change: c.387T>G on transcript NM_032801.5 (MANE Select); coding-DNA position 387, T replaced by G.
Protein change: p.Ile129Met; replaces isoleucine 129 with methionine.
Molecular consequence: missense variant. On other transcripts: intron variant (1).
Genome position (GRCh38, 1-based): chr11:134,144,371, T>G. VCF-style: chr11-134144371-T-G. GRCh37 (hg19) VCF-style: chr11-134014266-T-G.
Other names: c.257-421T>G (NM_001205329.2); short protein forms I129M.
Identifiers: ClinVar variation 1900367 (VCV001900367.2), dbSNP rs1350966118, ClinGen allele CA383497812.